The following is an entry in ClinVar:

ClinVar aggregate classification (germline): Benign/Likely benign. Review status: criteria provided, multiple submitters, no conflicts (2 of 4 stars). 5 submissions from 5 submitters: Benign (1); Likely benign (4). Last evaluated 2026-01-05.

Conditions:
Hereditary cancer-predisposing syndrome. Also called: Tumor predisposition; Hereditary Cancer Syndrome; Neoplastic Syndromes, Hereditary; Hereditary neoplastic syndrome. Identifiers: Orphanet 140162, MedGen C0027672, MeSH D009386, MONDO:0015356.
Ataxia-telangiectasia syndrome (AT). Also called: Cerebello-oculocutaneous telangiectasia; Immunodeficiency with ataxia telangiectasia; Ataxia-telangiectasia, complementation group D; AT, COMPLEMENTATION GROUP C; Ataxia-telangiectasia, complementation group E; LOUIS-BAR SYNDROME. Identifiers: Orphanet 100, MedGen C0004135, MONDO:0008840, OMIM 208900.
Familial cancer of breast. Also called: Hereditary breast cancer; hereditary breast carcinoma; BREAST CANCER, FAMILIAL. Identifiers: Orphanet 227535, MedGen C0346153, MONDO:0016419, OMIM 114480. Disease mechanism: loss of function.

Allele frequency attached by ClinVar (database versions not stated): gnomAD exomes below 0.00001; TOPMed below 0.00001; gnomAD 0.00001.
gnomAD v4.1: 5 of 1,614,070 alleles (0.00031%); highest among the groups gnomAD compares: African/African-American, 0.0027%; no homozygotes.

Submissions (5):

Labcorp Genetics (formerly Invitae), Labcorp
Classification: Likely benign for Ataxia-telangiectasia syndrome. Last evaluated: 2026-01-05. Review status: criteria provided, single submitter. Criteria: Invitae Variant Classification Sherloc (09022015). Collection method: clinical testing. Allele origin: germline.

Myriad Genetics, Inc.
Classification: Benign for Familial cancer of breast. Last evaluated: 2024-04-29. Review status: criteria provided, single submitter. Criteria: Myriad Autosomal Dominant, Autosomal Recessive and X-Linked Classification Criteria (2023). Collection method: clinical testing. Allele origin: unknown.
Comment: This variant is considered benign. This variant is a silent/synonymous amino acid change and it is not expected to impact splicing.

Sema4
Classification: Likely benign for Hereditary cancer-predisposing syndrome. Last evaluated: 2021-07-28. Review status: criteria provided, single submitter. Criteria: Sema4 Curation Guidelines. Collection method: curation. Allele origin: germline.

Color Diagnostics, LLC DBA Color Health
Classification: Likely benign for Hereditary cancer-predisposing syndrome. Last evaluated: 2017-09-05. Review status: criteria provided, single submitter. Criteria: ACMG Guidelines, 2015. Collection method: clinical testing. Allele origin: germline.

Ambry Genetics
Classification: Likely benign for Hereditary cancer-predisposing syndrome. Last evaluated: 2016-04-08. Review status: criteria provided, single submitter. Criteria: Ambry Variant Classification Scheme 2023. Collection method: clinical testing. Allele origin: germline.

NM_000051.4(ATM):c.1455T>C (p.Asn485=)

Gene: ATM (ATM serine/threonine kinase; plus strand). Cytogenetic location: 11q22.3.
Variant type: single nucleotide variant.
Coding change: c.1455T>C on transcript NM_000051.4 (MANE Select); coding-DNA position 1455, T replaced by C.
Protein change: p.Asn485=; no amino-acid change (asparagine 485 retained).
Molecular consequence: synonymous variant.
Genome position (GRCh38, 1-based): chr11:108,250,920, T>C. VCF-style: chr11-108250920-T-C. GRCh37 (hg19) VCF-style: chr11-108121647-T-C.
Other names: c.1455T>C, p.Asn485= (NM_001351834.2).
Identifiers: ClinVar variation 453368 (VCV000453368.20), dbSNP rs1385019623, ClinGen allele CA476744841.